The following is an entry in ClinVar:

ClinVar aggregate classification (germline): Uncertain significance. Review status: criteria provided, multiple submitters, no conflicts (2 of 4 stars). 2 submissions from 2 submitters: Uncertain significance (2). Last evaluated 2022-08-09.

Conditions:
Spastic paraplegia. Identifiers: MedGen C0037772, HP:0001258.

Allele frequency attached by ClinVar (database versions not stated): gnomAD 0.00002; gnomAD exomes 0.00002; TOPMed 0.00002; ExAC 0.00005; ESP Exome Variant Server 0.00008.
gnomAD v4.1: 29 of 1,613,974 alleles (0.0018%); highest among the groups gnomAD compares: Middle Eastern, 0.016%; no homozygotes.

Submissions (2):

GeneDx
Classification: Uncertain significance. Last evaluated: 2022-08-09. Review status: criteria provided, single submitter. Criteria: GeneDx Variant Classification Process June 2021. Collection method: clinical testing. Allele origin: germline. Affected: yes.
Comment: Not observed at significant frequency in large population cohorts (gnomAD); In silico analysis supports that this missense variant does not alter protein structure/function; Has not been previously published as pathogenic or benign to our knowledge

Labcorp Genetics (formerly Invitae), Labcorp
Classification: Uncertain significance for Spastic paraplegia. Last evaluated: 2022-07-09. Review status: criteria provided, single submitter. Criteria: Invitae Variant Classification Sherloc (09022015). Collection method: clinical testing. Allele origin: germline.
Comment: This sequence change replaces arginine, which is basic and polar, with histidine, which is basic and polar, at codon 2308 of the ZFYVE26 protein (p.Arg2308His). This variant is present in population databases (rs377225508, gnomAD 0.007%). This variant has not been reported in the literature in individuals affected with ZFYVE26-related conditions. Algorithms developed to predict the effect of missense changes on protein structure and function output the following: SIFT: "Deleterious"; PolyPhen-2: "Benign"; Align-GVGD: "Class C0". The histidine amino acid residue is found in multiple mammalian species, which suggests that this missense change does not adversely affect protein function. In summary, the available evidence is currently insufficient to determine the role of this variant in disease. Therefore, it has been classified as a Variant of Uncertain Significance.

NM_015346.4(ZFYVE26):c.6923G>A (p.Arg2308His)

Gene: ZFYVE26 (zinc finger FYVE-type containing 26; minus strand). Cytogenetic location: 14q24.1.
Variant type: single nucleotide variant.
Coding change: c.6923G>A on transcript NM_015346.4 (MANE Select); coding-DNA position 6923, G replaced by A.
Protein change: p.Arg2308His; replaces arginine 2308 with histidine.
Molecular consequence: missense variant.
Genome position (GRCh38, 1-based): chr14:67,755,114, C>T on the plus strand (G>A on the coding strand, the complement: ZFYVE26 is on the minus strand). VCF-style: chr14-67755114-C-T. GRCh37 (hg19) VCF-style: chr14-68221831-C-T.
Other names: c.6923G>A (NM_015346.3); short protein forms R2308H.
Identifiers: ClinVar variation 2151769 (VCV002151769.2), dbSNP rs377225508, ClinGen allele CA7239108.